The following is an entry in ClinVar:

NM_001042492.3(NF1):c.6654A>G (p.Arg2218=)

Gene: NF1 (neurofibromin 1; plus strand). Cytogenetic location: 17q11.2.
Variant type: single nucleotide variant.
Coding change: c.6654A>G on transcript NM_001042492.3 (MANE Select); coding-DNA position 6654, A replaced by G.
Protein change: p.Arg2218=; no amino-acid change (arginine 2218 retained).
Molecular consequence: synonymous variant.
Genome position (GRCh38, 1-based): chr17:31,337,830, A>G. VCF-style: chr17-31337830-A-G. GRCh37 (hg19) VCF-style: chr17-29664848-A-G.
Other names: c.6591A>G, p.Arg2197= (NM_000267.4).
Identifiers: ClinVar variation 4876027 (VCV004876027.1).

ClinVar aggregate classification (germline): Benign (1 of 4 stars; one submission).

Conditions:
Neurofibromatosis, type 1 (NF1). Also called: VON RECKLINGHAUSEN DISEASE; NEUROFIBROMATOSIS, TYPE I, SOMATIC; Peripheral type neurofibromatosis; Neurofibromatosis, type I. Identifiers: Orphanet 636, MedGen C0027831, MONDO:0018975, OMIM 162200. Disease mechanism: loss of function.

Submission:

Myriad Genetics, Inc.
Classification: Benign for Neurofibromatosis, type 1. Last evaluated: 2026-05-21. Review status: criteria provided, single submitter. Criteria: Myriad Autosomal Dominant, Autosomal Recessive and X-Linked Classification Criteria (2023). Collection method: clinical testing. Allele origin: unknown.
Comment: This variant is considered benign. This variant is a silent/synonymous amino acid change and it is not expected to impact splicing.